The following is an entry in ClinVar:

ClinVar aggregate classification (germline): Uncertain significance (1 of 4 stars; one submission).

Conditions:
Cryopyrin associated periodic syndrome (CAPS). Identifiers: Orphanet 208650, MedGen C2316212, MONDO:0016168.

Allele frequency attached by ClinVar (database versions not stated): gnomAD exomes below 0.00001; ExAC 0.00001.
gnomAD v4.1: 2 of 1,614,152 alleles (0.00012%); highest among the groups gnomAD compares: East Asian, 0.0045%; no homozygotes.

Submission:

Labcorp Genetics (formerly Invitae), Labcorp
Classification: Uncertain significance for Cryopyrin associated periodic syndrome. Last evaluated: 2023-04-22. Review status: criteria provided, single submitter. Criteria: Invitae Variant Classification Sherloc (09022015). Collection method: clinical testing. Allele origin: germline.
Comment: This sequence change replaces threonine, which is neutral and polar, with isoleucine, which is neutral and non-polar, at codon 559 of the NLRP3 protein (p.Thr559Ile). This variant is present in population databases (rs761265236, gnomAD 0.006%). This variant has not been reported in the literature in individuals affected with NLRP3-related conditions. Advanced modeling of protein sequence and biophysical properties (such as structural, functional, and spatial information, amino acid conservation, physicochemical variation, residue mobility, and thermodynamic stability) performed at Invitae indicates that this missense variant is not expected to disrupt NLRP3 protein function. In summary, the available evidence is currently insufficient to determine the role of this variant in disease. Therefore, it has been classified as a Variant of Uncertain Significance.

NM_001243133.2(NLRP3):c.1670C>T (p.Thr557Ile)

Gene: NLRP3 (NLR family pyrin domain containing 3; plus strand). Cytogenetic location: 1q44.
Variant type: single nucleotide variant.
Coding change: c.1670C>T on transcript NM_001243133.2 (MANE Select); coding-DNA position 1670, C replaced by T.
Protein change: p.Thr557Ile; replaces threonine 557 with isoleucine.
Molecular consequence: missense variant.
Genome position (GRCh38, 1-based): chr1:247,425,119, C>T. VCF-style: chr1-247425119-C-T. GRCh37 (hg19) VCF-style: chr1-247588421-C-T.
Other names: c.1670C>T, p.Thr557Ile (NM_001079821.3, NM_001127461.3, NM_001127462.3 and 1 more transcripts); c.1676C>T, p.Thr559Ile (NM_004895.5); short protein forms T557I, T559I.
Identifiers: ClinVar variation 2846628 (VCV002846628.3), dbSNP rs761265236, ClinGen allele CA1495059.